The following is an entry in ClinVar:

ClinVar aggregate classification (germline): Uncertain significance (1 of 4 stars; one submission).

gnomAD v4.1: 1 of 1,606,452 alleles (0.000062%); highest among the groups gnomAD compares: Non-Finnish European, 0.000085%; no homozygotes.

Submission:

GeneDx
Classification: Uncertain significance. Last evaluated: 2023-11-06. Review status: criteria provided, single submitter. Criteria: GeneDx Variant Classification Process June 2021. Collection method: clinical testing. Allele origin: germline. Affected: yes.
Comment: Not observed at significant frequency in large population cohorts (gnomAD); In silico analysis supports that this missense variant has a deleterious effect on protein structure/function; In silico analysis supports a deleterious effect on splicing; Has not been previously published as pathogenic or benign to our knowledge

NM_006947.4(SRP72):c.1086G>C (p.Gln362His)

Gene: SRP72 (signal recognition particle 72; plus strand). Cytogenetic location: 4q12.
Variant type: single nucleotide variant.
Coding change: c.1086G>C on transcript NM_006947.4 (MANE Select); coding-DNA position 1086, G replaced by C.
Protein change: p.Gln362His; replaces glutamine 362 with histidine.
Molecular consequence: missense variant. On other transcripts: non-coding transcript variant (1).
Genome position (GRCh38, 1-based): chr4:56,484,864, G>C. VCF-style: chr4-56484864-G-C. GRCh37 (hg19) VCF-style: chr4-57351030-G-C.
Other names: c.903G>C, p.Gln301His (NM_001267722.2); short protein forms Q301H, Q362H.
Identifiers: ClinVar variation 3363976 (VCV003363976.1).